The following is an entry in ClinVar:

NM_017802.4(DNAAF5):c.788G>A (p.Arg263Gln)

Gene: DNAAF5 (dynein axonemal assembly factor 5; plus strand). Cytogenetic location: 7p22.3.
Variant type: single nucleotide variant.
Coding change: c.788G>A on transcript NM_017802.4 (MANE Select); coding-DNA position 788, G replaced by A.
Protein change: p.Arg263Gln; replaces arginine 263 with glutamine.
Molecular consequence: missense variant. On other transcripts: non-coding transcript variant (1).
Genome position (GRCh38, 1-based): chr7:740,826, G>A. VCF-style: chr7-740826-G-A. GRCh37 (hg19) VCF-style: chr7-780463-G-A.
Other names: short protein forms R263Q.
Identifiers: ClinVar variation 454869 (VCV000454869.13), dbSNP rs201059622, ClinGen allele CA4110463.

ClinVar aggregate classification (germline): Conflicting classifications of pathogenicity. Review status: criteria provided, conflicting classifications (1 of 4 stars). 4 submissions from 4 submitters: Uncertain significance (1); Likely benign (3). Last evaluated 2025-09-03.

Conditions:
Primary ciliary dyskinesia. Also called: Ciliary dyskinesia. Identifiers: Orphanet 244, MedGen C0008780, MONDO:0016575, HP:0012265.
Primary ciliary dyskinesia 18. Also called: CILIARY DYSKINESIA, PRIMARY, 18, WITH OR WITHOUT SITUS INVERSUS. Identifiers: Orphanet 244, MedGen C3543825, MONDO:0013940, OMIM 614874.

Allele frequency attached by ClinVar (database versions not stated): ExAC 0.00007; TOPMed 0.00008; ESP Exome Variant Server 0.00023.

Submissions (4):

Labcorp Genetics (formerly Invitae), Labcorp
Classification: Likely benign for Primary ciliary dyskinesia. Last evaluated: 2025-09-03. Review status: criteria provided, single submitter. Criteria: Invitae Variant Classification Sherloc (09022015). Collection method: clinical testing. Allele origin: germline.

Blueprint Genetics
Classification: Likely benign. Last evaluated: 2024-10-23. Review status: criteria provided, single submitter. Criteria: ACMG Guidelines, 2015. Collection method: clinical testing. Allele origin: germline.

Ambry Genetics
Classification: Likely benign for Primary ciliary dyskinesia. Last evaluated: 2019-12-04. Review status: criteria provided, single submitter. Criteria: Ambry Variant Classification Scheme 2023. Collection method: clinical testing. Allele origin: germline.

Baylor Genetics
Classification: Uncertain significance for Primary ciliary dyskinesia 18. Last evaluated: 2019-08-13. Review status: criteria provided, single submitter. Criteria: ACMG Guidelines, 2015. Collection method: clinical testing. Allele origin: unknown. Affected: yes.
Comment: This variant was determined to be of uncertain significance according to ACMG Guidelines, 2015 [PMID:25741868].